The following is an entry in ClinVar:

NM_198578.4(LRRK2):c.3176G>A (p.Cys1059Tyr)

Gene: LRRK2 (leucine rich repeat kinase 2; plus strand). Cytogenetic location: 12q12.
Variant type: single nucleotide variant.
Coding change: c.3176G>A on transcript NM_198578.4 (MANE Select); coding-DNA position 3176, G replaced by A.
Protein change: p.Cys1059Tyr; replaces cysteine 1059 with tyrosine.
Molecular consequence: missense variant.
Genome position (GRCh38, 1-based): chr12:40,298,322, G>A. VCF-style: chr12-40298322-G-A. GRCh37 (hg19) VCF-style: chr12-40692124-G-A.
Other names: short protein forms C1059Y.
Identifiers: ClinVar variation 1728484 (VCV001728484.2), dbSNP rs2499745431, ClinGen allele CA384414383.
Genomic context (GRCh38, chr12:40,298,322, plus strand): 5'-ATTTGGACTTGCACAGTAATAAATTTACATCATTTCCTTCTTATTTGTTGAAAATGAGTT[G>A]TATTGCTAATCTTGATGTCTCTCGAAATGACATTGGACCCTCAGTGGTTTTAGATCCTAC-3'
Protein context (NP_940980.4, residues 1049-1069): SFPSYLLKMS[Cys1059Tyr]IANLDVSRND

ClinVar aggregate classification (germline): Uncertain significance (1 of 4 stars; one submission).

Conditions:
Inborn genetic diseases. Identifiers: MedGen C0950123, MeSH D030342.

Submission:

Ambry Genetics
Classification: Uncertain significance for Inborn genetic diseases. Last evaluated: 2021-10-26. Review status: criteria provided, single submitter. Criteria: Ambry Variant Classification Scheme 2023. Collection method: clinical testing. Allele origin: germline.
Comment: The p.C1059Y variant (also known as c.3176G>A), located in coding exon 24 of the LRRK2 gene, results from a G to A substitution at nucleotide position 3176. The cysteine at codon 1059 is replaced by tyrosine, an amino acid with highly dissimilar properties. This amino acid position is conserved. In addition, this alteration is predicted to be tolerated by in silico analysis. Since supporting evidence is limited at this time, the clinical significance of this alteration remains unclear.